The following is an entry in ClinVar:

NM_001378328.1(CELSR1):c.6046G>A (p.Asp2016Asn)

Gene: CELSR1 (cadherin EGF LAG seven-pass G-type receptor 1; minus strand). Cytogenetic location: 22q13.31.
Variant type: single nucleotide variant.
Coding change: c.6046G>A on transcript NM_001378328.1 (MANE Select); coding-DNA position 6046, G replaced by A.
Protein change: p.Asp2016Asn; replaces aspartic acid 2016 with asparagine.
Molecular consequence: missense variant.
Genome position (GRCh38, 1-based): chr22:46,391,735, C>T on the plus strand (G>A on the coding strand, the complement: CELSR1 is on the minus strand). VCF-style: chr22-46391735-C-T. GRCh37 (hg19) VCF-style: chr22-46787632-C-T.
Other names: c.6046G>A, p.Asp2016Asn (NM_014246.4); short protein forms D2016N.
Identifiers: ClinVar variation 4279861 (VCV004279861.1).

ClinVar aggregate classification (germline): Uncertain significance (1 of 4 stars; one submission).

Conditions:
Lymphatic malformation 9. Identifiers: MedGen C5543365, MONDO:0030270, OMIM 619319.

gnomAD v4.1: 16 of 1,612,344 alleles (0.00099%); highest among the groups gnomAD compares: East Asian, 0.011%; no homozygotes.

Submission:

Clinical Genomics Laboratory, Washington University in St. Louis
Classification: Uncertain significance for Lymphatic malformation 9. Last evaluated: 2025-01-21. Review status: criteria provided, single submitter. Criteria: ACMG Guidelines, 2015. Collection method: clinical testing. Allele origin: germline.
Comment: A CELSR1 c.6046G>A (p.Asp2016Asn) variant was identified at a heterozygous allelic fraction of 50.8%, a frequency which may be consistent with it being of germline origin. This variant, to our knowledge, has not been reported in the medical literature. This variant is observed on 16/1,612,344 alleles in the general population (gnomAD v4.1.0). Computational predictors suggest that the variant does not impact CELSR1 function. Due to limited information, and based on ACMG/AMP guidelines for variant interpretation (Richards S et al., PMID: 25741868), the clinical significance of the CELSR1 c.6046G>A (p.Asp2016Asn) variant is uncertain at this time.